The following is an entry in ClinVar:

Conditions:
Arteriohepatic dysplasia. Also called: Alagille Syndrome. Identifiers: Orphanet 52, MedGen C0085280, MeSH D016738, MONDO:0007318.

Submission:

Gilbert/Spinner Lab, Children's Hospital of Philadelphia
No classification provided (evidence only). Condition: Alagille syndrome. Review status: no classification provided. Collection method: research. Allele origin: not applicable. Functional consequence: functionally_abnormal.
ClinVar note: "not provided" was previously submitted as the classification for the variant. However, the classification appeared to be based only on an observation of functional data so it was converted to no classification on 2025-07-30.

NM_000214.3(JAG1):c.380C>A (p.Ala127Asp)

Gene: JAG1 (jagged canonical Notch ligand 1; minus strand). Cytogenetic location: 20p12.2.
Variant type: single nucleotide variant.
Coding change: c.380C>A on transcript NM_000214.3 (MANE Select); coding-DNA position 380, C replaced by A.
Protein change: p.Ala127Asp; replaces alanine 127 with aspartic acid.
Molecular consequence: missense variant.
Genome position (GRCh38, 1-based): chr20:10,672,708, G>T on the plus strand (C>A on the coding strand, the complement: JAG1 is on the minus strand). VCF-style: chr20-10672708-G-T. GRCh37 (hg19) VCF-style: chr20-10653356-G-T.
Other names: short protein forms A127D.
Identifiers: ClinVar variation 3573450 (VCV003573450.2).